The following is an entry in ClinVar:

ClinVar aggregate classification (germline): Pathogenic (1 of 4 stars; one submission).

Submission:

Athena Diagnostics
Classification: Pathogenic. Last evaluated: 2025-10-29. Review status: criteria provided, single submitter. Criteria: Athena Diagnostics Criteria. Collection method: clinical testing. Allele origin: unknown.
Comment: This variant is expected to result in the loss of a functional protein. Similar deletions of exon 51-54 of the DMD gene have not been reported in large, multi-ethnic general populations (Genome Aggregation Database (gnomAD), Cambridge, MA (URL)). This deletion variant has been reported primarily in patients presenting with Duchenne muscular dystrophy (DMD), but it has also been reported in patients where the type of muscular dystrophy was not specified.

Literature cited by the submitters: PubMed 33644936; PubMed 31705731; PubMed 11388892; PubMed 1483053; PubMed 20847377; PubMed 29976999; PubMed 31139960; PubMed 31727011; PubMed 21515508; PubMed 29973226; PubMed 29578119; PubMed 28116794; PubMed 38009102; PubMed 25972034; PubMed 36315559; PubMed 34149409; PubMed 38850354; PubMed 34925456; PubMed 19084397; PubMed 20485447; PubMed 33101180; PubMed 34629887; PubMed 36361501; PubMed 15841391.

Single allele

Gene: DMD (dystrophin; minus strand). Cytogenetic location: Xp21.1.
Variant type: Deletion.
Identifiers: ClinVar variation 4682460 (VCV004682460.1).